The following is an entry in ClinVar:

NM_002160.4(TNC):c.3981C>T (p.His1327=)

Gene: TNC (tenascin C; minus strand). Cytogenetic location: 9q33.1.
Variant type: single nucleotide variant.
Coding change: c.3981C>T on transcript NM_002160.4 (MANE Select); coding-DNA position 3981, C replaced by T.
Protein change: p.His1327=; no amino-acid change (histidine 1327 retained).
Molecular consequence: synonymous variant. On other transcripts: intron variant (21).
Genome position (GRCh38, 1-based): chr9:115,062,969, G>A on the plus strand (C>T on the coding strand, the complement: TNC is on the minus strand). VCF-style: chr9-115062969-G-A. GRCh37 (hg19) VCF-style: chr9-117825248-G-A.
Other names: c.3981C>T, p.His1327= (NM_001439065.1, NM_001439066.1, NM_001439067.1 and 14 more transcripts); c.3214+10634C>T (NM_001439099.1, NM_001439096.1, NM_001439100.1 and 1 more transcripts); c.3215-5544C>T (NM_001439098.1, NM_001439094.1, NM_001439090.1); c.3487+1678C>T (NM_001439097.1); c.3760+827C>T (NM_001439093.1, NM_001439087.1, NM_001439083.1 and 10 more transcripts).
Identifiers: ClinVar variation 4981429 (VCV004981429.1).

ClinVar aggregate classification (germline): Likely benign (1 of 4 stars; one submission).

Conditions:
TNC-related disorder. Also called: TNC-related condition.

gnomAD v4.1: 44 of 1,613,998 alleles (0.0027%); highest among the groups gnomAD compares: East Asian, 0.025%; no homozygotes.

Submission:

PreventionGenetics, part of Exact Sciences
Classification: Likely benign for TNC-related condition. Last evaluated: 2026-07-14. Review status: criteria provided, single submitter. Criteria: ACMG Guidelines, 2015. Collection method: clinical testing. Allele origin: germline.
Comment: This variant is classified as likely benign based on ACMG/AMP sequence variant interpretation guidelines (Richards et al. 2015 PMID: 25741868, with internal and published modifications).